The following is an entry in ClinVar:

ClinVar aggregate classification (germline): Uncertain significance. Review status: criteria provided, multiple submitters, no conflicts (2 of 4 stars). 2 submissions from 2 submitters: Uncertain significance (2). Last evaluated 2026-01-08.

Allele frequency attached by ClinVar (database versions not stated): gnomAD 0.00005; ExAC 0.00008; gnomAD exomes 0.00008; TOPMed 0.00009.
gnomAD v4.1: 126 of 1,613,604 alleles (0.0078%); highest among the groups gnomAD compares: East Asian, 0.033%; no homozygotes.

Submissions (2):

Labcorp Genetics (formerly Invitae), Labcorp
Classification: Uncertain significance. Last evaluated: 2026-01-08. Review status: criteria provided, single submitter. Criteria: Invitae Variant Classification Sherloc (09022015). Collection method: clinical testing. Allele origin: germline.
Comment: This sequence change replaces arginine, which is basic and polar, with tryptophan, which is neutral and slightly polar, at codon 965 of the FUK protein (p.Arg965Trp). This variant is present in population databases (rs528370718, gnomAD 0.09%), and has an allele count higher than expected for a pathogenic variant. This variant has not been reported in the literature in individuals affected with FUK-related conditions. ClinVar contains an entry for this variant (Variation ID: 2173598). An algorithm developed to predict the effect of missense changes on protein structure and function (PolyPhen-2) suggests that this variant is likely to be tolerated. In summary, the available evidence is currently insufficient to determine the role of this variant in disease. Therefore, it has been classified as a Variant of Uncertain Significance.

Ambry Genetics
Classification: Uncertain significance. Last evaluated: 2021-12-03. Review status: criteria provided, single submitter. Criteria: Ambry Variant Classification Scheme 2023. Collection method: clinical testing. Allele origin: germline.

NM_145059.3(FCSK):c.2893C>T (p.Arg965Trp)

Gene: FCSK (fucose kinase; plus strand). Cytogenetic location: 16q22.1.
Variant type: single nucleotide variant.
Coding change: c.2893C>T on transcript NM_145059.3 (MANE Select); coding-DNA position 2893, C replaced by T.
Protein change: p.Arg965Trp; replaces arginine 965 with tryptophan.
Molecular consequence: missense variant.
Genome position (GRCh38, 1-based): chr16:70,478,614, C>T. VCF-style: chr16-70478614-C-T. GRCh37 (hg19) VCF-style: chr16-70512517-C-T.
Other names: c.2893C>T (NM_145059.2); short protein forms R965W.
Identifiers: ClinVar variation 2173598 (VCV002173598.5), dbSNP rs528370718, ClinGen allele CA8143772.